The following is an entry in ClinVar:

NM_000350.3(ABCA4):c.4748T>C (p.Leu1583Pro)

Genes: ABCA4 (ATP binding cassette subfamily A member 4; minus strand), LOC126805793 (CDK7 strongly-dependent group 2 enhancer GRCh37_chr1:94486302-94487501; plus strand). Cytogenetic location: 1p22.1.
Variant type: single nucleotide variant.
Coding change: c.4748T>C on transcript NM_000350.3 (MANE Select); coding-DNA position 4748, T replaced by C.
Protein change: p.Leu1583Pro; replaces leucine 1583 with proline.
Molecular consequence: missense variant.
Genome position (GRCh38, 1-based): chr1:94,021,871, A>G on the plus strand (T>C on the coding strand, the complement: ABCA4 is on the minus strand). VCF-style: chr1-94021871-A-G. GRCh37 (hg19) VCF-style: chr1-94487427-A-G.
Other names: c.4526T>C, p.Leu1509Pro (NM_001425324.1); short protein forms L1583P, L1509P.
Identifiers: ClinVar variation 99316 (VCV000099316.8), dbSNP rs61750153, ClinGen allele CA227233.

ClinVar aggregate classification (germline): Pathogenic/Likely pathogenic. Review status: criteria provided, multiple submitters, no conflicts (2 of 4 stars). 6 submissions from 6 submitters: Pathogenic (4); Likely pathogenic (1). 1 of the submissions does not count toward it. Last evaluated 2025-10-29.

Conditions:
ABCA4-related disorder. Also called: ABCA4-related condition; ABCA4-related disorders. Identifiers: MedGen CN239167.
Stargardt disease (FFM). Also called: Fundus flavimaculatus; Stargardt's disease. Identifiers: Orphanet 827, MedGen C0271093, MONDO:0019353.
Severe early-childhood-onset retinal dystrophy (STGD1). Also called: MACULAR DYSTROPHY WITH FLECKS, TYPE 1; STGD; Stargardt disease 1; Stargardt macular dystrophy; Juvenile onset macular degeneration. Identifiers: Orphanet 364055, Orphanet 827, MedGen C1855465, MeSH D000080362, MONDO:0009549, OMIM 248200.

Allele frequency attached by ClinVar (database versions not stated): gnomAD exomes 0.00001; TOPMed below 0.00001; ExAC 0.00001.
gnomAD v4.1: 3 of 1,614,234 alleles (0.00019%); highest among the groups gnomAD compares: East Asian, 0.0067%; no homozygotes.

Submissions (6):

Women's Health and Genetics/Laboratory Corporation of America, LabCorp
Classification: Pathogenic for Stargardt disease. Last evaluated: 2025-10-29. Review status: criteria provided, single submitter. Criteria: LabCorp Variant Classification Summary - May 2015. Collection method: clinical testing. Allele origin: germline.
Comment: Variant summary: ABCA4 c.4748T>C (p.Leu1583Pro) results in a non-conservative amino acid change in the encoded protein sequence. Algorithms developed to predict the effect of missense changes on protein structure and function all suggest that this variant is likely to be disruptive. The variant allele was found at a frequency of 8e-06 in 251476 control chromosomes (gnomAD). c.4748T>C has been observed in multiple individuals affected with Stargardt Disease or Retinitis Pigmentosa (e.g., Cornelis_2022, Suga_2022). These data indicate that the variant is very likely to be associated with disease. The following publications have been ascertained in the context of this evaluation (PMID: 35120629, 36284460). ClinVar contains an entry for this variant (Variation ID: 99316). Based on the evidence outlined above, the variant was classified as pathogenic.

3billion
Classification: Pathogenic for ABCA4-related disorder. Last evaluated: 2024-09-04. Review status: criteria provided, single submitter. Criteria: ACMG Guidelines, 2015. Collection method: clinical testing. Allele origin: germline. Affected: yes.
Comment: The variant is observed at an extremely low frequency in the gnomAD v4.0.0 dataset (total allele frequency: <0.001%). Predicted Consequence/Location: Missense variant In silico tool predictions suggest damaging effect of the variant on gene or gene product [REVEL: 0.81 (>=0.6, sensitivity 0.68 and specificity 0.92); 3Cnet: 0.69 (>=0.6, sensitivity 0.72 and precision 0.9)]. The same nucleotide change resulting in the same amino acid change has been previously reported as pathogenic/likely pathogenic with strong evidence (ClinVar ID: VCV000099316 /PMID: 12202497).The variant has been reported to be in trans with a pathogenic variant as either compound heterozygous or homozygous in at least one similarly affected unrelated individual (PMID: 31144483, 31814693).The variant has been reported to co-segregate with the disease in at least one similarly affected relative/individual in the same family or similarly affected unrelated family (PMID: 31814693). Therefore, this variant is classified as Pathogenic according to the recommendation of ACMG/AMP guideline.

Labcorp Genetics (formerly Invitae), Labcorp
Classification: Pathogenic. Last evaluated: 2024-05-04. Review status: criteria provided, single submitter. Criteria: Invitae Variant Classification Sherloc (09022015). Collection method: clinical testing. Allele origin: germline.
Comment: This sequence change replaces leucine, which is neutral and non-polar, with proline, which is neutral and non-polar, at codon 1583 of the ABCA4 protein (p.Leu1583Pro). This variant is present in population databases (rs61750153, gnomAD 0.01%). This missense change has been observed in individual(s) with Stargardt disease (PMID: 33301772, 33691693). ClinVar contains an entry for this variant (Variation ID: 99316). Advanced modeling of protein sequence and biophysical properties (such as structural, functional, and spatial information, amino acid conservation, physicochemical variation, residue mobility, and thermodynamic stability) performed at Invitae indicates that this missense variant is expected to disrupt ABCA4 protein function with a positive predictive value of 95%. For these reasons, this variant has been classified as Pathogenic.

Blueprint Genetics
Classification: Pathogenic for ABCA4-related disorders. Last evaluated: 2022-01-04. Review status: criteria provided, single submitter. Criteria: ACMG Guidelines, 2015. Collection method: clinical testing. Allele origin: germline. Affected: yes. Observed: 3 variant alleles.

Ocular Genomics Institute, Massachusetts Eye and Ear
Classification: Likely pathogenic for Severe early-childhood-onset retinal dystrophy. Last evaluated: 2021-04-08. Review status: criteria provided, single submitter. Criteria: ACMG Guidelines, 2015. Collection method: research. Allele origin: germline. Affected: yes.
Comment: Through a review of available evidence we were able to apply the following criteria: PM2, PP1-M, PM3. Based on this evidence we have classified this variant as Likely Pathogenic.

Retina International
No classification provided. Review status: no classification provided. Collection method: not provided. Allele origin: not provided. Not counted in ClinVar's aggregate classification.

Literature cited by the submitters: PubMed 36284460 (cited by Women's Health and Genetics/Laboratory Corporation of America, LabCorp); PubMed 35120629 (cited by Women's Health and Genetics/Laboratory Corporation of America, LabCorp); PubMed 12202497 (cited by 3billion and Ocular Genomics Institute, Massachusetts Eye and Ear); PubMed 31144483 (cited by 3billion and Ocular Genomics Institute, Massachusetts Eye and Ear); PubMed 31814693 (cited by 3billion and Ocular Genomics Institute, Massachusetts Eye and Ear); PubMed 33301772 (cited by Labcorp Genetics (formerly Invitae), Labcorp); PubMed 33691693 (cited by Labcorp Genetics (formerly Invitae), Labcorp).